The following is an entry in ClinVar:

ClinVar aggregate classification (germline): Pathogenic (3 of 4 stars; one submission).

Conditions:
Breast-ovarian cancer, familial, susceptibility to, 1 (BROVCA1). Also called: BRCA1 Hereditary Breast and Ovarian Cancer; OVARIAN CANCER, SUSCEPTIBILITY TO. Identifiers: Orphanet 145, MedGen C2676676, MONDO:0011450, OMIM 604370. Disease mechanism: loss of function.

Submission:

Evidence-based Network for the Interpretation of Germline Mutant Alleles (ENIGMA)
Classification: Pathogenic for Breast-ovarian cancer, familial, susceptibility to, 1. Last evaluated: 2016-09-08. Review status: reviewed by expert panel. Criteria: ENIGMA BRCA1/2 Classification Criteria (2015). Collection method: curation. Allele origin: germline.
Comment: Variant allele predicted to encode a truncated non-functional protein.

NM_007294.4(BRCA1):c.2380dup (p.Ala794fs)

Gene: BRCA1 (BRCA1 DNA repair associated; minus strand). Cytogenetic location: 17q21.31.
Variant type: Duplication.
Coding change: c.2380dup on transcript NM_007294.4 (MANE Select); coding-DNA position 2380, one base duplicated (G; older notation c.2380dupG).
Protein change: p.Ala794fs; shifts the reading frame from alanine 794.
Molecular consequence: frameshift variant. On other transcripts: intron variant (137).
Genome position (GRCh38, 1-based): chr17:43,093,151, C duplicated on the plus strand (G on the coding strand, the reverse complement: BRCA1 is on the minus strand); the first of 2 consecutive C bases (chr17:43,093,151-43,093,152); duplicating either gives the same sequence. VCF-style (leftmost placement, unchanged base first): chr17-43093150-G-GC. GRCh37 (hg19) VCF-style: chr17-41245167-G-GC.
Other names: c.2380dupG (NM_007294.3); c.2167dup, p.Ala723fs (NM_001407571.1, NM_001407853.1, NM_001407894.1 and 9 more transcripts); c.2380dup, p.Ala794fs (NM_001407581.1, NM_001407582.1, NM_001407583.1 and 30 more transcripts); c.2377dup, p.Ala793fs (NM_001407587.1, NM_001407590.1, NM_001407591.1 and 22 more transcripts); c.2371dup, p.Ala791fs (NM_001407646.1, NM_001407647.1); c.2257dup, p.Ala753fs (NM_001407648.1, NM_001407664.1, NM_001407665.1 and 19 more transcripts); c.2254dup, p.Ala752fs (NM_001407649.1, NM_001407670.1, NM_001407671.1 and 11 more transcripts); c.2302dup, p.Ala768fs (NM_001407653.1, NM_001407654.1, NM_001407655.1 and 4 more transcripts); and 42 more; short protein forms A747fs, A794fs, A682fs, A706fs, A626fs, A666fs, A667fs, A683fs.
Identifiers: ClinVar variation 254411 (VCV000254411.4), dbSNP rs886037999, ClinGen allele CA10586645.
Genomic context (GRCh38, chr17:43,093,150, plus strand): 5'-AGTCCCTTGGGGTTTTCAAATGCTGCACACTGACTCACACATTTATTTGGTTCTGTTTTT[G>GC]CCTTCCCTAGAGTGCTAACTTCCAGTAACGAGATACTTTCCTGAGTGCCATAATCAGTAC-3'